The following is an entry in ClinVar:

ClinVar aggregate classification (germline): Uncertain significance (1 of 4 stars; one submission).

gnomAD v4.1: 1 of 1,602,186 alleles (0.000062%); no homozygotes.

Submission:

Labcorp Genetics (formerly Invitae), Labcorp
Classification: Uncertain significance. Last evaluated: 2022-01-06. Review status: criteria provided, single submitter. Criteria: Invitae Variant Classification Sherloc (09022015). Collection method: clinical testing. Allele origin: germline.
Comment: In summary, the available evidence is currently insufficient to determine the role of this variant in disease. Therefore, it has been classified as a Variant of Uncertain Significance. Variants that disrupt the consensus splice site are a relatively common cause of aberrant splicing (PMID: 17576681, 9536098). Algorithms developed to predict the effect of sequence changes on RNA splicing suggest that this variant is not likely to affect RNA splicing. This variant has not been reported in the literature in individuals affected with ERBIN-related conditions. This variant is not present in population databases (gnomAD no frequency). This sequence change falls in intron 24 of the ERBIN gene. It does not directly change the encoded amino acid sequence of the ERBIN protein. It affects a nucleotide within the consensus splice site.

Literature cited by the submitters: PubMed 17576681; PubMed 9536098.

NM_001253697.2(ERBIN):c.4056+3A>G

Gene: ERBIN (erbb2 interacting protein; plus strand). Cytogenetic location: 5q12.3.
Variant type: single nucleotide variant.
Coding change: c.4056+3A>G on transcript NM_001253697.2 (MANE Select); 3 bases into the intron after coding-DNA position 4056, A replaced by G.
Molecular consequence: intron variant.
Genome position (GRCh38, 1-based): chr5:66,076,411, A>G. VCF-style: chr5-66076411-A-G. GRCh37 (hg19) VCF-style: chr5-65372239-A-G.
Other names: c.4077+3A>G (NM_001253699.2); c.3933+3A>G (NM_018695.4, NM_001253698.2); c.3726+3A>G (NM_001006600.3); c.3921+3A>G (NM_001253701.2).
Identifiers: ClinVar variation 1496316 (VCV001496316.6), dbSNP rs1761988258, ClinGen allele CA1552375568.